The following is an entry in ClinVar:

NM_004260.4(RECQL4):c.1064G>A (p.Arg355Gln)

Gene: RECQL4 (RecQ like helicase 4; minus strand). Cytogenetic location: 8q24.3.
Variant type: single nucleotide variant.
Coding change: c.1064G>A on transcript NM_004260.4 (MANE Select); coding-DNA position 1064, G replaced by A.
Protein change: p.Arg355Gln; replaces arginine 355 with glutamine.
Molecular consequence: missense variant.
Genome position (GRCh38, 1-based): chr8:144,516,055, C>T on the plus strand (G>A on the coding strand, the complement: RECQL4 is on the minus strand). VCF-style: chr8-144516055-C-T. GRCh37 (hg19) VCF-style: chr8-145741439-C-T.
Other names: short protein forms R355Q.
Identifiers: ClinVar variation 407037 (VCV000407037.14), dbSNP rs374743591, ClinGen allele CA4949086.

ClinVar aggregate classification (germline): Conflicting classifications of pathogenicity. Review status: criteria provided, conflicting classifications (1 of 4 stars). 5 submissions from 5 submitters: Likely pathogenic (1); Uncertain significance (3). 1 of the submissions does not count toward it. Last evaluated 2026-01-31.

Conditions:
RECQL4-related disorder. Also called: RECQL4-related condition; RECQL4-related disorders.
Hereditary cancer-predisposing syndrome. Also called: Hereditary neoplastic syndrome; Neoplastic Syndromes, Hereditary; Hereditary Cancer Syndrome; Tumor predisposition. Identifiers: Orphanet 140162, MedGen C0027672, MeSH D009386, MONDO:0015356.
Rapadilino syndrome. Identifiers: Orphanet 3021, MedGen C1849453, MONDO:0009955, OMIM 266280.
Rothmund-Thomson syndrome (RTS). Also called: Poikiloderma Congenitale; Poikiloderma of Rothmund-Thomson. Identifiers: Orphanet 2909, MedGen C0032339, MONDO:0010002.
Baller-Gerold syndrome (BGS). Also called: CRANIOSYNOSTOSIS WITH RADIAL DEFECTS. Identifiers: Orphanet 1225, MedGen C0265308, MONDO:0009039, OMIM 218600.
Ovarian cancer. Also called: OVARIAN CANCER, SOMATIC. Identifiers: Orphanet 213500, MedGen C1140680, MONDO:0008170, OMIM 167000.

Allele frequency attached by ClinVar (database versions not stated): gnomAD 0.00010; TOPMed 0.00011; 1000 Genomes Project 30x 0.00031; 1000 Genomes Project 0.00040.

Submissions (5):

Labcorp Genetics (formerly Invitae), Labcorp
Classification: Uncertain significance for Baller-Gerold syndrome. Last evaluated: 2026-01-31. Review status: criteria provided, single submitter. Criteria: Invitae Variant Classification Sherloc (09022015). Collection method: clinical testing. Allele origin: germline.
Comment: This sequence change replaces arginine, which is basic and polar, with glutamine, which is neutral and polar, at codon 355 of the RECQL4 protein (p.Arg355Gln). This variant is present in population databases (rs374743591, gnomAD 0.2%). This variant has not been reported in the literature in individuals affected with RECQL4-related conditions. ClinVar contains an entry for this variant (Variation ID: 407037). Invitae Evidence Modeling of protein sequence and biophysical properties (such as structural, functional, and spatial information, amino acid conservation, physicochemical variation, residue mobility, and thermodynamic stability) has been performed for this missense variant. However, the output from this modeling did not meet the statistical confidence thresholds required to predict the impact of this variant on RECQL4 protein function. In summary, the available evidence is currently insufficient to determine the role of this variant in disease. Therefore, it has been classified as a Variant of Uncertain Significance.

Laboratory of Molecular Epidemiology of Birth Defects, West China Second University Hospital, Sichuan University
Classification: Likely pathogenic for Ovarian cancer. Last evaluated: 2022-01-01. Review status: criteria provided, single submitter. Criteria: ACMG Guidelines, 2015. Collection method: clinical testing. Allele origin: germline. Affected: yes.

Sema4
Classification: Uncertain significance for Hereditary cancer-predisposing syndrome. Last evaluated: 2021-12-10. Review status: criteria provided, single submitter. Criteria: Sema4 Curation Guidelines. Collection method: curation. Allele origin: germline.
Comment: The RECQL4 c.1064G>A (p.R355Q) variant has been reported in two individuals with osteosarcoma and in one individual with multiple myeloma (PMID: 15221963, 26491355). It is also reported as c.1814G>A in the literature (PMID: 15221963). It was observed in 34/19526 chromosomes of the East Asian subpopulation, with no homozygotes, in the large and broad cohorts of the Genome Aggregation Database (PMID: 32461654). The variant has been reported in ClinVar (Variation ID 407037). Functional studies have not been performed, and in silico predictions of the variant's effect on protein function are inconclusive. The evidence is insufficient to meet ACMG/AMP criteria for classifying the variant as benign or pathogenic. Thus, the clinical significance of this variant is currently uncertain.

Fulgent Genetics
Classification: Uncertain significance for Baller-Gerold syndrome; Rapadilino syndrome; Rothmund-Thomson syndrome type 2. Last evaluated: 2018-10-31. Review status: criteria provided, single submitter. Criteria: ACMG Guidelines, 2015. Collection method: clinical testing. Allele origin: unknown.

PreventionGenetics, part of Exact Sciences
Classification: Likely benign for RECQL4-related condition. Last evaluated: 2022-04-11. Review status: no assertion criteria provided. Collection method: clinical testing. Allele origin: germline. Not counted in ClinVar's aggregate classification.
Comment: This variant is classified as likely benign based on ACMG/AMP sequence variant interpretation guidelines (Richards et al. 2015 PMID: 25741868, with internal and published modifications).

Literature cited by the submitters: PubMed 15221963 (cited by Sema4); PubMed 26491355 (cited by Sema4).